The following is an entry in ClinVar:

ClinVar aggregate classification (germline): Benign/Likely benign. Review status: criteria provided, multiple submitters, no conflicts (2 of 4 stars). 3 submissions from 3 submitters: Benign (1); Likely benign (1). 1 of the submissions does not count toward it. Last evaluated 2024-10-15.

Conditions:
Rubinstein-Taybi syndrome (RSTS). Identifiers: Orphanet 783, MedGen C0035934, MONDO:0019188.
CREBBP-related disorder. Also called: CREBBP-related condition; CREBBP-related disorders.

Allele frequency attached by ClinVar (database versions not stated): TOPMed 0.00003; gnomAD 0.00004; ESP Exome Variant Server 0.00008.
gnomAD v4.1: 11 of 1,613,706 alleles (0.00068%); highest among the groups gnomAD compares: African/African-American, 0.015%; no homozygotes.

Submissions (3):

Women's Health and Genetics/Laboratory Corporation of America, LabCorp
Classification: Likely benign. Last evaluated: 2024-10-15. Review status: criteria provided, single submitter. Criteria: LabCorp Variant Classification Summary - May 2015. Collection method: clinical testing. Allele origin: germline.

Labcorp Genetics (formerly Invitae), Labcorp
Classification: Benign for Rubinstein-Taybi syndrome. Last evaluated: 2023-03-15. Review status: criteria provided, single submitter. Criteria: Invitae Variant Classification Sherloc (09022015). Collection method: clinical testing. Allele origin: germline.

PreventionGenetics, part of Exact Sciences
Classification: Likely benign for CREBBP-related condition. Last evaluated: 2022-07-27. Review status: no assertion criteria provided. Collection method: clinical testing. Allele origin: germline. Not counted in ClinVar's aggregate classification.
Comment: This variant is classified as likely benign based on ACMG/AMP sequence variant interpretation guidelines (Richards et al. 2015 PMID: 25741868, with internal and published modifications).

NM_004380.3(CREBBP):c.3930C>T (p.Asn1310=)

Gene: CREBBP (CREB binding lysine acetyltransferase; minus strand). Cytogenetic location: 16p13.3.
Variant type: single nucleotide variant.
Coding change: c.3930C>T on transcript NM_004380.3 (MANE Select); coding-DNA position 3930, C replaced by T.
Protein change: p.Asn1310=; no amino-acid change (asparagine 1310 retained).
Molecular consequence: synonymous variant.
Genome position (GRCh38, 1-based): chr16:3,744,946, G>A on the plus strand (C>T on the coding strand, the complement: CREBBP is on the minus strand). VCF-style: chr16-3744946-G-A. GRCh37 (hg19) VCF-style: chr16-3794947-G-A.
Other names: c.3930C>T (NM_004380.2); c.3816C>T, p.Asn1272= (NM_001079846.1).
Identifiers: ClinVar variation 2142254 (VCV002142254.7), dbSNP rs372799049, ClinGen allele CA7869656.